The following is an entry in ClinVar:

ClinVar aggregate classification (germline): Uncertain significance (1 of 4 stars; one submission).

Conditions:
Paroxysmal nonkinesigenic dyskinesia. Also called: Paroxysmal non-kinesigenic dyskinesia. Identifiers: Orphanet 98810, MedGen C1869117, MONDO:0700088.

Submission:

Labcorp Genetics (formerly Invitae), Labcorp
Classification: Uncertain significance for Paroxysmal nonkinesigenic dyskinesia. Last evaluated: 2022-01-11. Review status: criteria provided, single submitter. Criteria: Invitae Variant Classification Sherloc (09022015). Collection method: clinical testing. Allele origin: germline.
Comment: This variant is not present in population databases (gnomAD no frequency). This variant has not been reported in the literature in individuals affected with PNKD-related conditions. ClinVar contains an entry for this variant (Variation ID: 1011051). Experimental studies and prediction algorithms are not available or were not evaluated, and the functional significance of this variant is currently unknown. In summary, the available evidence is currently insufficient to determine the role of this variant in disease. Therefore, it has been classified as a Variant of Uncertain Significance. This variant, c.641_649del, results in the deletion of 3 amino acid(s) of the PNKD protein (p.Val214_Val216del), but otherwise preserves the integrity of the reading frame.

NM_015488.5(PNKD):c.641_649del (p.Val214_Val216del)

Genes: PNKD (PNKD metallo-beta-lactamase domain containing; plus strand), CATIP-AS2 (CATIP antisense RNA 2; minus strand). Cytogenetic location: 2q35.
Variant type: Deletion.
Coding change: c.641_649del on transcript NM_015488.5 (MANE Select); coding-DNA positions 641 to 649, 9 bases deleted (TCAGCGTGG; older notation c.641_649delTCAGCGTGG).
Protein change: p.Val214_Val216del.
Molecular consequence: inframe deletion. On other transcripts: inframe indel (1).
Genome position (GRCh38, 1-based): chr2:218,342,004-218,342,012, TCAGCGTGG deleted; deleting any 9 consecutive bases within chr2:218,342,000-218,342,012 gives the same sequence; the c. name uses the placement nearest the transcript's 3' end. VCF-style (leftmost placement, unchanged base first): chr2-218341999-TGTGGTCAGC-T. GRCh37 (hg19) VCF-style: chr2-219206722-TGTGGTCAGC-T.
Other names: c.569_577delTCAGCGTGG, p.Val190_Val192del (NM_022572.5).
Identifiers: ClinVar variation 1011051 (VCV001011051.8), dbSNP rs1694691273, ClinGen allele CA1328713662.
Genomic context (GRCh38, chr2:218,341,999, plus strand): 5'-ACAGATCCAATACCTTCTGTCCCCTGCTCCCTTGTTCCCCAGTCCCCTGTGTCATCAAGA[TGTGGTCAGC>T]GTGGGACGGCTTCAGATCCGGGCCCTGGCTACACCTGGCCACACACAAGGCCATCTGGTC-3'